The following is an entry in ClinVar:

ClinVar aggregate classification (germline): Conflicting classifications of pathogenicity. Review status: criteria provided, conflicting classifications (1 of 4 stars). 2 submissions from 2 submitters: Uncertain significance (1); Likely benign (1). Last evaluated 2025-08-22.

Conditions:
Inborn genetic diseases. Identifiers: MedGen C0950123, MeSH D030342.

Allele frequency attached by ClinVar (database versions not stated): gnomAD exomes below 0.00001; ExAC 0.00001; TOPMed 0.00001.

Submissions (2):

Ambry Genetics
Classification: Likely benign for Inborn genetic diseases. Last evaluated: 2025-08-22. Review status: criteria provided, single submitter. Criteria: Ambry Variant Classification Scheme 2023. Collection method: clinical testing. Allele origin: germline.

Labcorp Genetics (formerly Invitae), Labcorp
Classification: Uncertain significance. Last evaluated: 2023-05-20. Review status: criteria provided, single submitter. Criteria: Invitae Variant Classification Sherloc (09022015). Collection method: clinical testing. Allele origin: germline.
Comment: This variant has not been reported in the literature in individuals affected with DVL1-related conditions. Advanced modeling of protein sequence and biophysical properties (such as structural, functional, and spatial information, amino acid conservation, physicochemical variation, residue mobility, and thermodynamic stability) performed at Invitae indicates that this missense variant is not expected to disrupt DVL1 protein function. In summary, the available evidence is currently insufficient to determine the role of this variant in disease. Therefore, it has been classified as a Variant of Uncertain Significance. This sequence change replaces alanine, which is neutral and non-polar, with valine, which is neutral and non-polar, at codon 181 of the DVL1 protein (p.Ala181Val). This variant is present in population databases (rs759991844, gnomAD 0.003%).

NM_001330311.2(DVL1):c.542C>T (p.Ala181Val)

Gene: DVL1 (dishevelled segment polarity protein 1; minus strand). Cytogenetic location: 1p36.33.
Variant type: single nucleotide variant.
Coding change: c.542C>T on transcript NM_001330311.2 (MANE Select); coding-DNA position 542, C replaced by T.
Protein change: p.Ala181Val; replaces alanine 181 with valine.
Molecular consequence: missense variant.
Genome position (GRCh38, 1-based): chr1:1,341,730, G>A on the plus strand (C>T on the coding strand, the complement: DVL1 is on the minus strand). VCF-style: chr1-1341730-G-A. GRCh37 (hg19) VCF-style: chr1-1277110-G-A.
Other names: c.542C>T (NM_004421.2); c.542C>T, p.Ala181Val (NM_004421.3); short protein forms A181V.
Identifiers: ClinVar variation 2970760 (VCV002970760.4), dbSNP rs759991844, ClinGen allele CA520625.